The following is an entry in ClinVar:

ClinVar aggregate classification (germline): Pathogenic (1 of 4 stars; one submission).

Submission:

Labcorp Genetics (formerly Invitae), Labcorp
Classification: Pathogenic. Last evaluated: 2025-01-21. Review status: criteria provided, single submitter. Criteria: Invitae Variant Classification Sherloc (09022015). Collection method: clinical testing. Allele origin: germline.
Comment: This sequence change affects an acceptor splice site in intron 9 of the SLC4A1 gene. It is expected to disrupt RNA splicing. Variants that disrupt the donor or acceptor splice site typically lead to a loss of protein function (PMID: 16199547), and loss-of-function variants in SLC4A1 are known to be pathogenic (PMID: 8943874, 10926824, 23255290). This variant is not present in population databases (gnomAD no frequency). Disruption of this splice site has been observed in individuals with hereditary spherocytosis (PMID: 35351432; internal data). Algorithms developed to predict the effect of sequence changes on RNA splicing suggest that this variant may disrupt the consensus splice site. For these reasons, this variant has been classified as Pathogenic.

Literature cited by the submitters: PubMed 16199547; PubMed 8943874; PubMed 10926824; PubMed 23255290; PubMed 35351432.

NM_000342.4(SLC4A1):c.877-2A>G

Gene: SLC4A1 (solute carrier family 4 member 1 (Diego blood group); minus strand). Cytogenetic location: 17q21.31.
Variant type: single nucleotide variant.
Coding change: c.877-2A>G on transcript NM_000342.4 (MANE Select); the canonical splice acceptor site of the intron before coding-DNA position 877, A replaced by G.
Molecular consequence: splice acceptor variant.
Genome position (GRCh38, 1-based): chr17:44,258,625, T>C on the plus strand (A>G on the coding strand, the complement: SLC4A1 is on the minus strand). VCF-style: chr17-44258625-T-C. GRCh37 (hg19) VCF-style: chr17-42335993-T-C.
Identifiers: ClinVar variation 3670610 (VCV003670610.2).